The following is an entry in ClinVar:

NM_014915.3(ANKRD26):c.3883G>A (p.Glu1295Lys)

Gene: ANKRD26 (ankyrin repeat domain containing 26; minus strand). Cytogenetic location: 10p12.1.
Variant type: single nucleotide variant.
Coding change: c.3883G>A on transcript NM_014915.3 (MANE Select); coding-DNA position 3883, G replaced by A.
Protein change: p.Glu1295Lys; replaces glutamic acid 1295 with lysine.
Molecular consequence: missense variant.
Genome position (GRCh38, 1-based): chr10:27,028,941, C>T on the plus strand (G>A on the coding strand, the complement: ANKRD26 is on the minus strand). VCF-style: chr10-27028941-C-T. GRCh37 (hg19) VCF-style: chr10-27317870-C-T.
Other names: c.3880G>A, p.Glu1294Lys (NM_001256053.2); short protein forms E1294K, E1295K.
Identifiers: ClinVar variation 4102623 (VCV004102623.1).

ClinVar aggregate classification (germline): Uncertain significance (1 of 4 stars; one submission).

Conditions:
Inborn genetic diseases. Identifiers: MedGen C0950123, MeSH D030342.

Submission:

Ambry Genetics
Classification: Uncertain significance for Inborn genetic diseases. Last evaluated: 2025-08-07. Review status: criteria provided, single submitter. Criteria: Ambry Variant Classification Scheme 2023. Collection method: clinical testing. Allele origin: germline.
Comment: The p.E1295K variant (also known as c.3883G>A), located in coding exon 27 of the ANKRD26 gene, results from a G to A substitution at nucleotide position 3883. The glutamic acid at codon 1295 is replaced by lysine, an amino acid with similar properties. This amino acid position is conserved. In addition, the in silico prediction for this alteration is inconclusive. Based on the available evidence, the clinical significance of this variant remains unclear.